The following is an entry in ClinVar:

ClinVar aggregate classification (germline): Likely benign (1 of 4 stars; one submission).

Conditions:
Hypertrophic cardiomyopathy. Also called: HYPERTROPHIC MYOCARDIOPATHY. Identifiers: Orphanet 217569, MedGen C0007194, MeSH D002312, MONDO:0005045, HP:0001639.

Submission:

All of Us Research Program, National Institutes of Health
Classification: Likely benign for Hypertrophic cardiomyopathy. Last evaluated: 2024-08-13. Review status: criteria provided, single submitter. Criteria: ACMG Guidelines, 2015. Collection method: clinical testing. Allele origin: germline. Inheritance: Autosomal dominant inheritance. Observed: 1 variant allele, 1 heterozygote.
Comment: This study involves interpretation of variants in research participants for the purpose of population health screening. Participant phenotype was not available at the time of variant classification. Additional details can be found in publication PMID: 35346344, PMCID: PMC8962531

NM_000256.3(MYBPC3):c.204G>A (p.Val68=)

Gene: MYBPC3 (myosin binding protein C3; minus strand). Cytogenetic location: 11p11.2.
Variant type: single nucleotide variant.
Coding change: c.204G>A on transcript NM_000256.3 (MANE Select); coding-DNA position 204, G replaced by A.
Protein change: p.Val68=; no amino-acid change (valine 68 retained).
Molecular consequence: synonymous variant.
Genome position (GRCh38, 1-based): chr11:47,351,327, C>T on the plus strand (G>A on the coding strand, the complement: MYBPC3 is on the minus strand). VCF-style: chr11-47351327-C-T. GRCh37 (hg19) VCF-style: chr11-47372878-C-T.
Identifiers: ClinVar variation 3387154 (VCV003387154.1).